The following is an entry in ClinVar:

ClinVar aggregate classification (germline): Uncertain significance. Review status: criteria provided, multiple submitters, no conflicts (2 of 4 stars). 3 submissions from 3 submitters: Uncertain significance (3). Last evaluated 2025-06-12.

Conditions:
Inborn genetic diseases. Identifiers: MedGen C0950123, MeSH D030342.
Glycine encephalopathy. Also called: Nonketotic hyperglycinemia; Non-ketotic hyperglycinemia. Identifiers: Orphanet 407, MedGen C0751748, MONDO:0011612, HP:0008288.

Allele frequency attached by ClinVar (database versions not stated): gnomAD 0.00001; gnomAD exomes 0.00002; ExAC 0.00003; TOPMed 0.00003.

Submissions (3):

Ambry Genetics
Classification: Uncertain significance for Inborn genetic diseases. Last evaluated: 2025-06-12. Review status: criteria provided, single submitter. Criteria: Ambry Variant Classification Scheme 2023. Collection method: clinical testing. Allele origin: germline.

Labcorp Genetics (formerly Invitae), Labcorp
Classification: Uncertain significance for Glycine encephalopathy. Last evaluated: 2022-11-03. Review status: criteria provided, single submitter. Criteria: Invitae Variant Classification Sherloc (09022015). Collection method: clinical testing. Allele origin: germline.
Comment: This variant has not been reported in the literature in individuals affected with GCSH-related conditions. In summary, the available evidence is currently insufficient to determine the role of this variant in disease. Therefore, it has been classified as a Variant of Uncertain Significance. Algorithms developed to predict the effect of missense changes on protein structure and function are either unavailable or do not agree on the potential impact of this missense change (SIFT: "Deleterious"; PolyPhen-2: "Benign"; Align-GVGD: "Class C15"). ClinVar contains an entry for this variant (Variation ID: 1367392). This variant is present in population databases (rs753037667, gnomAD 0.02%). This sequence change replaces glutamic acid, which is acidic and polar, with lysine, which is basic and polar, at codon 122 of the GCSH protein (p.Glu122Lys).

Fulgent Genetics
Classification: Uncertain significance for Glycine encephalopathy 1. Last evaluated: 2022-03-10. Review status: criteria provided, single submitter. Criteria: ACMG Guidelines, 2015. Collection method: clinical testing. Allele origin: unknown.

NM_004483.5(GCSH):c.364G>A (p.Glu122Lys)

Gene: GCSH (glycine cleavage system protein H; minus strand). Cytogenetic location: 16q23.2.
Variant type: single nucleotide variant.
Coding change: c.364G>A on transcript NM_004483.5 (MANE Select); coding-DNA position 364, G replaced by A.
Protein change: p.Glu122Lys; replaces glutamic acid 122 with lysine.
Molecular consequence: missense variant. On other transcripts: non-coding transcript variant (1).
Genome position (GRCh38, 1-based): chr16:81,084,523, C>T on the plus strand (G>A on the coding strand, the complement: GCSH is on the minus strand). VCF-style: chr16-81084523-C-T. GRCh37 (hg19) VCF-style: chr16-81118128-C-T.
Other names: c.364G>A (NM_004483.4); short protein forms E122K.
Identifiers: ClinVar variation 1367392 (VCV001367392.10), dbSNP rs753037667, ClinGen allele CA8186734.
Genomic context (GRCh38, chr16:81,084,523, plus strand): 5'-CATCTTCATAACAAGATTTGTTTACAAGTCCTGGATTTTCTGCAAGAGCTTCATTAATTT[C>T]AGTTACTTCTCCTGATAAAGGAGAATAGAGTTCACTAGCAGCTTTCACACTTTCCAAAGC-3'
Protein context (NP_004474.2, residues 112-132): LYSPLSGEVT[Glu122Lys]INEALAENPG